The following is an entry in ClinVar:

NM_005912.3(MC4R):c.947T>G (p.Ile316Ser)

Gene: MC4R (melanocortin 4 receptor; minus strand). Cytogenetic location: 18q21.32.
Variant type: single nucleotide variant.
Coding change: c.947T>G on transcript NM_005912.3 (MANE Select); coding-DNA position 947, T replaced by G.
Protein change: p.Ile316Ser; replaces isoleucine 316 with serine.
Molecular consequence: missense variant.
Genome position (GRCh38, 1-based): chr18:60,371,403, A>C on the plus strand (T>G on the coding strand, the complement: MC4R is on the minus strand). VCF-style: chr18-60371403-A-C. GRCh37 (hg19) VCF-style: chr18-58038636-A-C.
Other names: short protein forms I316S.
Identifiers: ClinVar variation 14331 (VCV000014331.11), dbSNP rs121913564, ClinGen allele CA210720.

ClinVar aggregate classification (germline): Pathogenic/Likely pathogenic. Review status: criteria provided, multiple submitters, no conflicts (2 of 4 stars). 6 submissions from 6 submitters: Pathogenic (3); Likely pathogenic (2). 1 of the submissions does not count toward it. Last evaluated 2026-09-02.

Conditions:
Obesity due to melanocortin 4 receptor deficiency. Identifiers: Orphanet 71529, MedGen C4273958, MONDO:0019115.
BODY MASS INDEX QUANTITATIVE TRAIT LOCUS 20 (BMIQ20). Also called: MELANOCORTIN 4 RECEPTOR DEFICIENCY; MC4R DEFICIENCY. Identifiers: MedGen C4759928, OMIM 618406.
Obesity. Also called: Obesity disorder. Identifiers: Orphanet 71529, MedGen C0028754, MeSH D009765, MONDO:0011122, HP:0001513.

Allele frequency attached by ClinVar (database versions not stated): gnomAD below 0.00001 and 0.00001; ExAC 0.00005; gnomAD exomes 0.00002.
gnomAD v4.1: 25 of 1,614,072 alleles (0.0015%); highest among the groups gnomAD compares: South Asian, 0.026%; no homozygotes.

Submissions (6):

Institute of Medical Genetics and Applied Genomics, University Hospital Tübingen
Classification: Pathogenic for BODY MASS INDEX QUANTITATIVE TRAIT LOCUS 20. Last evaluated: 2026-09-02. Review status: criteria provided, single submitter. Criteria: ACMG Guidelines, 2015. Collection method: clinical testing. Allele origin: germline. Inheritance: Autosomal dominant inheritance. Affected: yes.

Laboratory for Molecular Medicine, Mass General Brigham Personalized Medicine
Classification: Pathogenic for Obesity due to melanocortin 4 receptor deficiency. Last evaluated: 2022-02-24. Review status: criteria provided, single submitter. Criteria: ACMG Guidelines, 2015. Collection method: clinical testing. Allele origin: germline. Inheritance: Autosomal dominant inheritance.
Comment: proposed classification - variant undergoing re-assessment, contact laboratory

Revvity Omics, Revvity
Classification: Likely pathogenic for BODY MASS INDEX QUANTITATIVE TRAIT LOCUS 20. Last evaluated: 2021-12-23. Review status: criteria provided, single submitter. Criteria: ACMG Guidelines, 2015. Collection method: clinical testing. Allele origin: germline.

Fulgent Genetics
Classification: Pathogenic for BODY MASS INDEX QUANTITATIVE TRAIT LOCUS 20. Last evaluated: 2021-11-17. Review status: criteria provided, single submitter. Criteria: ACMG Guidelines, 2015. Collection method: clinical testing. Allele origin: unknown.

Illumina Laboratory Services, Illumina
Classification: Likely pathogenic for Inherited obesity. Last evaluated: 2017-04-28. Review status: criteria provided, single submitter. Criteria: ICSL Variant Classification Criteria 09 May 2019. Collection method: clinical testing. Allele origin: germline.
Comment: The MC4R c.947T>G (p.Ile316Ser) variant has been reported in three studies in which it is found in a total of eight obese individuals from three families (Farooqi et al. 2003; Saeed et al. 2012; Saeed et al. 2015). The variant was identified in a homozygous state in three affected individuals, including a sibling pair, from a consanguineous family and in another unrelated individual. Another family, in which the variant segregated with disease, included one affected homozygote and three affected heterozygotes who were less obese than the homozygote. The p.Ile316Ser variant was absent from 80 controls but is reported at a frequency of 0.00036 in the South Asian population of the Exome Aggregation Consortium. Functional studies conducted in cell lines demonstrated that the p.Ile316Ser variant results in partial loss of function and a 14-fold decrease in binding affinity for MSH analog as compared to wild type protein. Furthermore, the p.Ile316Ser protein was less abundant in the plasma membrane and localized in the endoplasmic reticulum as a ubiquitinated protein (Farooqi et al. 2003; Yeo et al. 2003; Granell et al. 2010). Based on the collective evidence, the p.Ile316Ser variant is classified as likely pathogenic for obesity. This variant was observed by ICSL as part of a predisposition screen in an ostensibly healthy population.

OMIM
Classification: Pathogenic for OBESITY (BMIQ20). Last evaluated: 2003-03-20. Review status: no assertion criteria provided. Collection method: literature only. Allele origin: germline. Not counted in ClinVar's aggregate classification.

Literature cited by the submitters: PubMed 16752916 (cited by Laboratory for Molecular Medicine, Mass General Brigham Personalized Medicine); PubMed 12588803 (cited by 3 submitters); PubMed 12646665 (cited by 3 submitters); PubMed 20631012 (cited by Laboratory for Molecular Medicine, Mass General Brigham Personalized Medicine and Illumina Laboratory Services, Illumina); PubMed 17628007 (cited by Laboratory for Molecular Medicine, Mass General Brigham Personalized Medicine); PubMed 22463805 (cited by Laboratory for Molecular Medicine, Mass General Brigham Personalized Medicine and Illumina Laboratory Services, Illumina); PubMed 24248383 (cited by Laboratory for Molecular Medicine, Mass General Brigham Personalized Medicine); PubMed 31002796 (cited by Laboratory for Molecular Medicine, Mass General Brigham Personalized Medicine and OMIM); PubMed 26179253 (cited by Laboratory for Molecular Medicine, Mass General Brigham Personalized Medicine and Illumina Laboratory Services, Illumina).